The following is an entry in ClinVar:

ClinVar aggregate classification (germline): Uncertain significance (1 of 4 stars; one submission).

Conditions:
Chuvash polycythemia. Also called: POLYCYTHEMIA, VHL-DEPENDENT. Identifiers: Orphanet 238557, MedGen C1837915, MONDO:0009892, OMIM 263400.
Von Hippel-Lindau syndrome (VHLS). Also called: von Hippel–Lindau syndrome; VHL syndrome; Von Hippel-Lindau. Identifiers: Orphanet 892, MedGen C0019562, MONDO:0008667, OMIM 193300. Disease mechanism: loss of function.

Submission:

Labcorp Genetics (formerly Invitae), Labcorp
Classification: Uncertain significance for Von Hippel-Lindau syndrome; Chuvash polycythemia. Last evaluated: 2022-07-03. Review status: criteria provided, single submitter. Criteria: Invitae Variant Classification Sherloc (09022015). Collection method: clinical testing. Allele origin: germline.
Comment: This variant is not present in population databases (gnomAD no frequency). This sequence change replaces asparagine, which is neutral and polar, with threonine, which is neutral and polar, at codon 7 of the VHL protein (p.Asn7Thr). This variant has not been reported in the literature in individuals affected with VHL-related conditions. In summary, the available evidence is currently insufficient to determine the role of this variant in disease. Therefore, it has been classified as a Variant of Uncertain Significance. Advanced modeling of protein sequence and biophysical properties (such as structural, functional, and spatial information, amino acid conservation, physicochemical variation, residue mobility, and thermodynamic stability) performed at Invitae indicates that this missense variant is not expected to disrupt VHL protein function. ClinVar contains an entry for this variant (Variation ID: 655972).

NM_000551.4(VHL):c.20A>C (p.Asn7Thr)

Gene: VHL (von Hippel-Lindau tumor suppressor; plus strand). Cytogenetic location: 3p25.3.
Variant type: single nucleotide variant.
Coding change: c.20A>C on transcript NM_000551.4 (MANE Select); coding-DNA position 20, A replaced by C.
Protein change: p.Asn7Thr; replaces asparagine 7 with threonine.
Molecular consequence: missense variant.
Genome position (GRCh38, 1-based): chr3:10,141,867, A>C. VCF-style: chr3-10141867-A-C. GRCh37 (hg19) VCF-style: chr3-10183551-A-C.
Other names: c.20A>C, p.Asn7Thr (NM_001354723.2, NM_198156.3); short protein forms N7T.
Identifiers: ClinVar variation 655972 (VCV000655972.9), dbSNP rs1575920892, ClinGen allele CA351747046.